The following is an entry in ClinVar:

ClinVar aggregate classification (germline): Uncertain significance (1 of 4 stars; one submission).

Conditions:
Type 2 diabetes mellitus. Also called: Type II diabetes mellitus. Identifiers: MedGen C0011860, MeSH D003924, MONDO:0005148, OMIM 125853, HP:0005978.

Submission:

Institute of Human Genetics, University of Leipzig Medical Center
Classification: Uncertain significance for Type 2 diabetes mellitus. Last evaluated: 2025-05-05. Review status: criteria provided, single submitter. Criteria: ACMG Guidelines, 2015. Collection method: clinical testing. Allele origin: unknown. Inheritance: Autosomal dominant inheritance. Affected: yes.
Comment: Criteria applied: PM1,PM2

NM_000352.6(ABCC8):c.328G>A (p.Ala110Thr)

Gene: ABCC8 (ATP binding cassette subfamily C member 8; minus strand). Cytogenetic location: 11p15.1.
Variant type: single nucleotide variant.
Coding change: c.328G>A on transcript NM_000352.6 (MANE Select); coding-DNA position 328, G replaced by A.
Protein change: p.Ala110Thr; replaces alanine 110 with threonine.
Molecular consequence: missense variant. On other transcripts: non-coding transcript variant (1).
Genome position (GRCh38, 1-based): chr11:17,470,185, C>T on the plus strand (G>A on the coding strand, the complement: ABCC8 is on the minus strand). VCF-style: chr11-17470185-C-T. GRCh37 (hg19) VCF-style: chr11-17491732-C-T.
Other names: c.328G>A, p.Ala110Thr (NM_001287174.3, NM_001351295.2, NM_001351296.2 and 1 more transcripts); short protein forms A110T.
Identifiers: ClinVar variation 3901177 (VCV003901177.1).